The following is an entry in ClinVar:

ClinVar aggregate classification (germline): Uncertain significance (1 of 4 stars; one submission).

Conditions:
Hyperaldosteronism, familial, type IV (HALD4). Also called: FH IV; ALDOSTERONISM, PRIMARY, AND HYPERTENSION. Identifiers: Orphanet 642671, MedGen C4310756, MONDO:0014875, OMIM 617027.
Idiopathic generalized epilepsy. Also called: Generalised epilepsy; EIG. Identifiers: MedGen C0270850, MONDO:0005579, OMIM 600669.

Submission:

Labcorp Genetics (formerly Invitae), Labcorp
Classification: Uncertain significance for Idiopathic generalized epilepsy; Hyperaldosteronism, familial, type IV. Last evaluated: 2020-01-11. Review status: criteria provided, single submitter. Criteria: Invitae Variant Classification Sherloc (09022015). Collection method: clinical testing. Allele origin: germline.
Comment: This sequence change replaces isoleucine with valine at codon 1013 of the CACNA1H protein (p.Ile1013Val). The isoleucine residue is highly conserved and there is a small physicochemical difference between isoleucine and valine. This variant is not present in population databases (ExAC no frequency). This variant has not been reported in the literature in individuals with CACNA1H-related conditions. Algorithms developed to predict the effect of missense changes on protein structure and function (SIFT, PolyPhen-2, Align-GVGD) all suggest that this variant is likely to be disruptive, but these predictions have not been confirmed by published functional studies and their clinical significance is uncertain. In summary, the available evidence is currently insufficient to determine the role of this variant in disease. Therefore, it has been classified as a Variant of Uncertain Significance.

NM_021098.3(CACNA1H):c.3037A>G (p.Ile1013Val)

Gene: CACNA1H (calcium voltage-gated channel subunit alpha1 H; plus strand). Cytogenetic location: 16p13.3.
Variant type: single nucleotide variant.
Coding change: c.3037A>G on transcript NM_021098.3 (MANE Select); coding-DNA position 3037, A replaced by G.
Protein change: p.Ile1013Val; replaces isoleucine 1013 with valine.
Molecular consequence: missense variant.
Genome position (GRCh38, 1-based): chr16:1,207,404, A>G. VCF-style: chr16-1207404-A-G. GRCh37 (hg19) VCF-style: chr16-1257404-A-G.
Other names: c.3037A>G, p.Ile1013Val (NM_001005407.2); short protein forms I1013V.
Identifiers: ClinVar variation 1052882 (VCV001052882.9), dbSNP rs2141309026, ClinGen allele CA394170496.